The following is an entry in ClinVar:

NM_020338.4(ZMIZ1):c.2989G>A (p.Ala997Thr)

Gene: ZMIZ1 (zinc finger MIZ-type containing 1; plus strand). Cytogenetic location: 10q22.3.
Variant type: single nucleotide variant.
Coding change: c.2989G>A on transcript NM_020338.4 (MANE Select); coding-DNA position 2989, G replaced by A.
Protein change: p.Ala997Thr; replaces alanine 997 with threonine.
Molecular consequence: missense variant.
Genome position (GRCh38, 1-based): chr10:79,311,077, G>A. VCF-style: chr10-79311077-G-A. GRCh37 (hg19) VCF-style: chr10-81070834-G-A.
Other names: c.2989G>A (NM_020338.3); short protein forms A997T.
Identifiers: ClinVar variation 1049141 (VCV001049141.30), dbSNP rs200050423, ClinGen allele CA5573167.

ClinVar aggregate classification (germline): Likely benign. Review status: criteria provided, multiple submitters, no conflicts (2 of 4 stars). 4 submissions from 4 submitters: Likely benign (3). 1 of the submissions does not count toward it. Last evaluated 2026-01-12.

Conditions:
Inborn genetic diseases. Identifiers: MedGen C0950123, MeSH D030342.

Allele frequency attached by ClinVar (database versions not stated): gnomAD 0.00008 and 0.00010; gnomAD exomes 0.00009 and 0.00019; TOPMed 0.00010; ESP Exome Variant Server 0.00015; ExAC 0.00017; 1000 Genomes Project 0.00060; 1000 Genomes Project 30x 0.00062.
gnomAD v4.1: 153 of 1,613,494 alleles (0.0095%); highest among the groups gnomAD compares: East Asian, 0.074%; no homozygotes.

Submissions (4):

Labcorp Genetics (formerly Invitae), Labcorp
Classification: Likely benign. Last evaluated: 2026-01-12. Review status: criteria provided, single submitter. Criteria: Invitae Variant Classification Sherloc (09022015). Collection method: clinical testing. Allele origin: germline.

CeGaT Center for Human Genetics Tuebingen
Classification: Likely benign. Last evaluated: 2023-09-01. Review status: criteria provided, single submitter. Criteria: CeGaT Center For Human Genetics Tuebingen Variant Classification Criteria Version 2. Collection method: clinical testing. Allele origin: germline. Affected: yes. Observed: 2 variant alleles.
Comment: ZMIZ1: BS1

Ambry Genetics
Classification: Likely benign for Inborn genetic diseases. Last evaluated: 2022-07-08. Review status: criteria provided, single submitter. Criteria: Ambry Variant Classification Scheme 2023. Collection method: clinical testing. Allele origin: germline.

Department of Pathology and Laboratory Medicine, Sinai Health System
Classification: Likely benign. Review status: no assertion criteria provided. Collection method: clinical testing. Allele origin: unknown. Affected: yes. Study: The Canadian Open Genetics Repository (COGR). Not counted in ClinVar's aggregate classification.
Comment: The ZMIZ1 p.A997T variant was not identified in the literature nor was it identified in ClinVar. The variant was identified in dbSNP (ID: rs200050423). The variant was identified in control databases in 49 of 281836 chromosomes at a frequency of 0.0001739, and was observed at the highest frequency in the East Asian population in 28 of 19950 chromosomes (freq: 0.001404) (Genome Aggregation Database March 6, 2019, v2.1.1). This frequency is greater than expected for the rare, autosomal dominant neurodevelopmental disorder with dysmorphic facies and distal skeletal anomalies associated with ZMIZ1 variants. The p.A997 residue is conserved in mammals and computational analyses (MUT Assesor, PolyPhen-2, SIFT, MutationTaster, Revel, FATHMM, MetaLR, DANN) do not suggest a high likelihood of impact to the protein; this information is not predictive enough to rule out pathogenicity. The variant occurs outside of the splicing consensus sequence and in silico or computational prediction software programs (Splice AI exome) do not predict a difference in splicing. In summary, based on the above information the clinical significance of this variant cannot be determined with certainty at this time although we would lean towards a more benign role for this variant. This variant is classified as likely benign.